The following is an entry in ClinVar:

ClinVar aggregate classification (germline): Conflicting classifications of pathogenicity. Review status: criteria provided, conflicting classifications (1 of 4 stars). 5 submissions from 5 submitters: Uncertain significance (1); Benign (1); Likely benign (3). Last evaluated 2026-01-19.

Conditions:
Collagen 6-related myopathy. Identifiers: MedGen CN117976, MONDO:0100225.
Bethlem myopathy 1A. Also called: Bethlem myopathy 1; Bethlem Muscular Dystrophy; MYOPATHY, BENIGN CONGENITAL, WITH CONTRACTURES. Identifiers: Orphanet 610, MedGen CN029274, MONDO:0024530, OMIM 158810.

Allele frequency attached by ClinVar (database versions not stated): ESP Exome Variant Server 0.00008; gnomAD 0.00015 and 0.00018; TOPMed 0.00018; 1000 Genomes Project 30x 0.00031; 1000 Genomes Project 0.00040.
gnomAD v4.1: 328 of 1,614,154 alleles (0.02%); highest among the groups gnomAD compares: Middle Eastern, 0.082%; no homozygotes.

Submissions (5):

Labcorp Genetics (formerly Invitae), Labcorp
Classification: Likely benign for Bethlem myopathy 1A. Last evaluated: 2026-01-19. Review status: criteria provided, single submitter. Criteria: Invitae Variant Classification Sherloc (09022015). Collection method: clinical testing. Allele origin: germline.

Women's Health and Genetics/Laboratory Corporation of America, LabCorp
Classification: Likely benign. Last evaluated: 2025-09-04. Review status: criteria provided, single submitter. Criteria: LabCorp Variant Classification Summary - May 2015. Collection method: clinical testing. Allele origin: germline.

CeGaT Center for Human Genetics Tuebingen
Classification: Likely benign. Last evaluated: 2025-07-01. Review status: criteria provided, single submitter. Criteria: CeGaT Center For Human Genetics Tuebingen Variant Classification Criteria Version 2. Collection method: clinical testing. Allele origin: germline. Affected: yes. Observed: 2 variant alleles.
Comment: COL6A3: BP4, BP7

Illumina Laboratory Services, Illumina
Classification: Benign for Collagen VI-related myopathy. Last evaluated: 2018-01-12. Review status: criteria provided, single submitter. Criteria: ICSL Variant Classification Criteria 13 December 2019. Collection method: clinical testing. Allele origin: germline.
Comment: This variant was observed in the ICSL laboratory as part of a predisposition screen in an ostensibly healthy population. It had not been previously curated by ICSL or reported in the Human Gene Mutation Database (HGMD: prior to June 1st, 2018), and was therefore a candidate for classification through an automated scoring system. Utilizing variant allele frequency, disease prevalence and penetrance estimates, and inheritance mode, an automated score was calculated to assess if this variant is too frequent to cause the disease. Based on the score and internal cut-off values, a variant classified as benign is not then subjected to further curation. The score for this variant resulted in a classification of benign for this disease.

Eurofins Ntd Llc (ga)
Classification: Uncertain significance. Last evaluated: 2017-12-14. Review status: criteria provided, single submitter. Criteria: EGL Classification Definitions 2015. Collection method: clinical testing. Allele origin: germline. Observed: 2 variant alleles, 2 heterozygotes.

NM_004369.4(COL6A3):c.5652C>T (p.Thr1884=)

Gene: COL6A3 (collagen type VI alpha 3 chain; minus strand). Cytogenetic location: 2q37.3.
Variant type: single nucleotide variant.
Coding change: c.5652C>T on transcript NM_004369.4 (MANE Select); coding-DNA position 5652, C replaced by T.
Protein change: p.Thr1884=; no amino-acid change (threonine 1884 retained).
Molecular consequence: synonymous variant.
Genome position (GRCh38, 1-based): chr2:237,365,884, G>A on the plus strand (C>T on the coding strand, the complement: COL6A3 is on the minus strand). VCF-style: chr2-237365884-G-A. GRCh37 (hg19) VCF-style: chr2-238274527-G-A.
Other names: c.3831C>T, p.Thr1277= (NM_057166.5); c.5034C>T, p.Thr1678= (NM_057167.4).
Identifiers: ClinVar variation 286041 (VCV000286041.47), dbSNP rs200285455, ClinGen allele CA2188615.